The following is an entry in ClinVar:

ClinVar aggregate classification (germline): Likely benign (0 of 4 stars; one submission).

Conditions:
IQCE-related disorder. Also called: IQCE-related condition.

Allele frequency attached by ClinVar (database versions not stated): gnomAD exomes 0.00004; TOPMed 0.00006; ESP Exome Variant Server 0.00008; gnomAD 0.00011; ExAC 0.00014; 1000 Genomes Project 30x 0.00078; 1000 Genomes Project 0.00080.
gnomAD v4.1: 91 of 1,613,822 alleles (0.0056%); highest among the groups gnomAD compares: East Asian, 0.06%; no homozygotes.

Submission:

PreventionGenetics, part of Exact Sciences
Classification: Likely benign for IQCE-related condition. Last evaluated: 2019-09-30. Review status: no assertion criteria provided. Collection method: clinical testing. Allele origin: germline.
Comment: This variant is classified as likely benign based on ACMG/AMP sequence variant interpretation guidelines (Richards et al. 2015 PMID: 25741868, with internal and published modifications).

NM_152558.5(IQCE):c.690C>T (p.Asp230=)

Gene: IQCE (IQ motif containing E; plus strand). Cytogenetic location: 7p22.3.
Variant type: single nucleotide variant.
Coding change: c.690C>T on transcript NM_152558.5 (MANE Select); coding-DNA position 690, C replaced by T.
Protein change: p.Asp230=; no amino-acid change (aspartic acid 230 retained).
Molecular consequence: synonymous variant.
Genome position (GRCh38, 1-based): chr7:2,582,639, C>T. VCF-style: chr7-2582639-C-T. GRCh37 (hg19) VCF-style: chr7-2622273-C-T.
Other names: c.690C>T, p.Asp230= (NM_001287499.2); c.642C>T, p.Asp214= (NM_001287500.2, NM_001410865.1); c.495C>T, p.Asp165= (NM_001287501.2, NM_001287502.2).
Identifiers: ClinVar variation 3040127 (VCV003040127.2), dbSNP rs367853752, ClinGen allele CA4128789.